The following is an entry in ClinVar:

NM_006736.6(DNAJB2):c.199C>A (p.Arg67Ser)

Gene: DNAJB2 (DnaJ heat shock protein family (Hsp40) member B2; plus strand). Cytogenetic location: 2q35.
Variant type: single nucleotide variant.
Coding change: c.199C>A on transcript NM_006736.6 (MANE Select); coding-DNA position 199, C replaced by A.
Protein change: p.Arg67Ser; replaces arginine 67 with serine.
Molecular consequence: missense variant.
Genome position (GRCh38, 1-based): chr2:219,281,741, C>A. VCF-style: chr2-219281741-C-A. GRCh37 (hg19) VCF-style: chr2-220146463-C-A.
Other names: p.Arg67Ser; c.199C>A, p.Arg67Ser (NM_001039550.2); short protein forms R67S.
Identifiers: ClinVar variation 665770 (VCV000665770.10), dbSNP rs140172586, ClinGen allele CA2122860.
Genomic context (GRCh38, chr2:219,281,741, plus strand): 5'-CAGAGGGAGGGTGAAATGATCTGGTCTCTTTTTGCAGAGCACAAGCGGGAGATTTACGAC[C>A]GCTATGGCCGGGAAGGGCTGACAGGGACAGGTAGGTGGAGTGGTGAGGCCCAGGAATGGA-3'
Protein context (NP_006727.2, residues 57-77): SDKHKREIYD[Arg67Ser]YGREGLTGTG

ClinVar aggregate classification (germline): Uncertain significance. Review status: criteria provided, multiple submitters, no conflicts (2 of 4 stars). 4 submissions from 4 submitters: Uncertain significance (4). Last evaluated 2025-07-14.

Conditions:
Neuronopathy, distal hereditary motor, autosomal recessive 5. Also called: Spinal muscular atrophy, distal, autosomal recessive, 5; Young adult-onset distal hereditary motor neuropathy; NEUROPATHY, DISTAL HEREDITARY MOTOR, AUTOSOMAL RECESSIVE 5. Identifiers: Orphanet 314485, Orphanet 443950, MedGen C4749918, MONDO:0013947, OMIM 614881.
Inborn genetic diseases. Identifiers: MedGen C0950123, MeSH D030342.

Allele frequency attached by ClinVar (database versions not stated): TOPMed 0.00005; ESP Exome Variant Server 0.00015.

Submissions (4):

Ambry Genetics
Classification: Uncertain significance for Inborn genetic diseases. Last evaluated: 2025-07-14. Review status: criteria provided, single submitter. Criteria: Ambry Variant Classification Scheme 2023. Collection method: clinical testing. Allele origin: germline.

Mayo Clinic Laboratories, Mayo Clinic
Classification: Uncertain significance. Last evaluated: 2023-08-16. Review status: criteria provided, single submitter. Criteria: ACMG Guidelines, 2015. Collection method: clinical testing. Allele origin: germline. Observed: 1 variant allele.
Comment: PM2_moderate

Labcorp Genetics (formerly Invitae), Labcorp
Classification: Uncertain significance for Neuronopathy, distal hereditary motor, autosomal recessive 5. Last evaluated: 2022-03-08. Review status: criteria provided, single submitter. Criteria: Invitae Variant Classification Sherloc (09022015). Collection method: clinical testing. Allele origin: germline.
Comment: This sequence change replaces arginine, which is basic and polar, with serine, which is neutral and polar, at codon 67 of the DNAJB2 protein (p.Arg67Ser). This variant is present in population databases (rs140172586, gnomAD 0.009%). This variant has not been reported in the literature in individuals affected with DNAJB2-related conditions. ClinVar contains an entry for this variant (Variation ID: 665770). Algorithms developed to predict the effect of missense changes on protein structure and function are either unavailable or do not agree on the potential impact of this missense change (SIFT: "Tolerated"; PolyPhen-2: "Possibly Damaging"; Align-GVGD: "Class C0"). In summary, the available evidence is currently insufficient to determine the role of this variant in disease. Therefore, it has been classified as a Variant of Uncertain Significance.

Fulgent Genetics
Classification: Uncertain significance for Neuronopathy, distal hereditary motor, autosomal recessive 5. Last evaluated: 2021-10-28. Review status: criteria provided, single submitter. Criteria: ACMG Guidelines, 2015. Collection method: clinical testing. Allele origin: unknown.